The following is an entry in ClinVar:

NM_001972.4(ELANE):c.14G>A (p.Arg5His)

Gene: ELANE (elastase, neutrophil expressed; plus strand). Cytogenetic location: 19p13.3.
Variant type: single nucleotide variant.
Coding change: c.14G>A on transcript NM_001972.4 (MANE Select); coding-DNA position 14, G replaced by A.
Protein change: p.Arg5His; replaces arginine 5 with histidine.
Molecular consequence: missense variant.
Genome position (GRCh38, 1-based): chr19:852,342, G>A. VCF-style: chr19-852342-G-A. GRCh37 (hg19) VCF-style: chr19-852342-G-A.
Other names: c.14G>A (LRG_57t1); short protein forms R5H.
Identifiers: ClinVar variation 661641 (VCV000661641.11), dbSNP rs1050778419, ClinGen allele CA303942184.
Genomic context (GRCh38, chr19:852,342, plus strand): 5'-GCCGGGCGGGCACGGAGGGGCAGAGACCCCGGAGCCCCAGCCCCACCATGACCCTCGGCC[G>A]CCGACTCGCGTGTCTTTTCCTCGCCTGTGTCCTGCCGGCCTTGCTGCTGGGGGGTGAGTT-3'
Protein context (NP_001963.1, residues 1-15): MTLG[Arg5His]RLACLFLACV

ClinVar aggregate classification (germline): Conflicting classifications of pathogenicity. Review status: criteria provided, conflicting classifications (1 of 4 stars). 2 submissions from 2 submitters: Uncertain significance (1); Likely benign (1). Last evaluated 2026-01-20.

Conditions:
Cyclical neutropenia. Also called: Cyclic hematopoiesis; Cyclic Neutropenia. Identifiers: Orphanet 2686, MedGen C0221023, MONDO:0008090, OMIM 162800, HP:0040289. Disease mechanism: loss of function.
Neutropenia, severe congenital, 1, autosomal dominant. Identifiers: MedGen C1859966, MONDO:0042490, OMIM 202700.

Allele frequency attached by ClinVar (database versions not stated): gnomAD exomes below 0.00001; gnomAD 0.00002; TOPMed 0.00002.
gnomAD v4.1: 13 of 1,610,002 alleles (0.00081%); highest among the groups gnomAD compares: Admixed American, 0.01%; no homozygotes.

Submissions (2):

Labcorp Genetics (formerly Invitae), Labcorp
Classification: Uncertain significance for Neutropenia, severe congenital, 1, autosomal dominant; Cyclical neutropenia. Last evaluated: 2026-01-20. Review status: criteria provided, single submitter. Criteria: Invitae Variant Classification Sherloc (09022015). Collection method: clinical testing. Allele origin: germline.
Comment: This sequence change replaces arginine, which is basic and polar, with histidine, which is basic and polar, at codon 5 of the ELANE protein (p.Arg5His). The frequency data for this variant in the population databases is considered unreliable, as metrics indicate poor data quality at this position in the gnomAD database. This variant has not been reported in the literature in individuals affected with ELANE-related conditions. ClinVar contains an entry for this variant (Variation ID: 661641). Invitae Evidence Modeling of protein sequence and biophysical properties (such as structural, functional, and spatial information, amino acid conservation, physicochemical variation, residue mobility, and thermodynamic stability) indicates that this missense variant is not expected to disrupt ELANE protein function with a negative predictive value of 95%. In summary, the available evidence is currently insufficient to determine the role of this variant in disease. Therefore, it has been classified as a Variant of Uncertain Significance.

Blueprint Genetics
Classification: Likely benign. Last evaluated: 2022-06-22. Review status: criteria provided, single submitter. Criteria: ACMG Guidelines, 2015. Collection method: clinical testing. Allele origin: germline.